The following is an entry in ClinVar:

NM_001383.6(DPH1):c.362G>A (p.Gly121Glu)

Gene: DPH1 (diphthamide biosynthesis 1; plus strand). Cytogenetic location: 17p13.3.
Variant type: single nucleotide variant.
Coding change: c.362G>A on transcript NM_001383.6 (MANE Select); coding-DNA position 362, G replaced by A.
Protein change: p.Gly121Glu; replaces glycine 121 with glutamic acid.
Molecular consequence: missense variant. On other transcripts: non-coding transcript variant (3), intron variant (1).
Genome position (GRCh38, 1-based): chr17:2,036,053, G>A. VCF-style: chr17-2036053-G-A. GRCh37 (hg19) VCF-style: chr17-1939347-G-A.
Other names: c.377G>A, p.Gly126Glu (NM_001346574.1, NM_001346575.1); c.-5-476G>A (NM_001346576.2); short protein forms G121E, G126E.
Identifiers: ClinVar variation 5017966 (VCV005017966.1).
Genomic context (GRCh38, chr17:2,036,053, plus strand): 5'-TGATGGGTGACGTGACCTACGGGGCTTGCTGTGTGGATGACTTCACAGCGAGGGCCCTGG[G>A]AGCTGACTTCTTGGTGCACTACGGCCACAGTTGCCTGAGTATGGTGGGGCCAGGACACCT-3'
Protein context (NP_001374.4, residues 111-131): CVDDFTARAL[Gly121Glu]ADFLVHYGHS

ClinVar aggregate classification (germline): Uncertain significance (1 of 4 stars; one submission).

Submission:

GeneDx
Classification: Uncertain significance. Last evaluated: 2026-03-30. Review status: criteria provided, single submitter. Criteria: GeneDx Variant Classification Process June 2021. Collection method: clinical testing. Allele origin: germline.
Comment: Not observed at significant frequency in large population cohorts (gnomAD); In silico analysis supports that this missense variant has a deleterious effect on protein structure/function; Has not been previously published as pathogenic or benign to our knowledge